The following is an entry in ClinVar:

NM_198173.3(GRHL3):c.1468C>T (p.Arg490Cys)

Gene: GRHL3 (grainyhead like transcription factor 3; plus strand). Cytogenetic location: 1p36.11.
Variant type: single nucleotide variant.
Coding change: c.1468C>T on transcript NM_198173.3 (MANE Select); coding-DNA position 1468, C replaced by T.
Protein change: p.Arg490Cys; replaces arginine 490 with cysteine.
Molecular consequence: missense variant.
Genome position (GRCh38, 1-based): chr1:24,346,566, C>T. VCF-style: chr1-24346566-C-T. GRCh37 (hg19) VCF-style: chr1-24673056-C-T.
Other names: c.1330C>T, p.Arg444Cys (NM_001195010.2); c.1483C>T, p.Arg495Cys (NM_021180.4); c.1468C>T, p.Arg490Cys (NM_198174.3); short protein forms R444C, R490C, R495C.
Identifiers: ClinVar variation 2455364 (VCV002455364.3), dbSNP rs375906769, ClinGen allele CA690253.
Genomic context (GRCh38, chr1:24,346,566, plus strand): 5'-AGGGGTCCCCAAGTTTCTCACAAGCTCCCCCACTGCCATCCCCACAGGCTGCCTCTGAAG[C>T]GTACCTGCTCGCCCTTCACTGAGGAGTTTGAGCCTCTGCCCTCCAAGCAGGCCAAGGAAG-3'
Protein context (NP_937816.1, residues 480-500): PSSSNRLPLK[Arg490Cys]TCSPFTEEFE

ClinVar aggregate classification (germline): Uncertain significance. Review status: criteria provided, multiple submitters, no conflicts (2 of 4 stars). 2 submissions from 2 submitters: Uncertain significance (2). Last evaluated 2025-02-06.

Conditions:
Van der Woude syndrome 2 (VWS2). Identifiers: Orphanet 888, MedGen C1847604, MONDO:0011712, OMIM 606713.
Inborn genetic diseases. Identifiers: MedGen C0950123, MeSH D030342.

Allele frequency attached by ClinVar (database versions not stated): ExAC 0.00001; gnomAD exomes 0.00005; TOPMed 0.00008; gnomAD 0.00005; ESP Exome Variant Server 0.00015.
gnomAD v4.1: 75 of 1,612,526 alleles (0.0047%); highest among the groups gnomAD compares: African/African-American, 0.0093%; no homozygotes.

Submissions (2):

Labcorp Genetics (formerly Invitae), Labcorp
Classification: Uncertain significance for Van der Woude syndrome 2. Last evaluated: 2025-02-06. Review status: criteria provided, single submitter. Criteria: Invitae Variant Classification Sherloc (09022015). Collection method: clinical testing. Allele origin: germline.
Comment: This sequence change replaces arginine, which is basic and polar, with cysteine, which is neutral and slightly polar, at codon 490 of the GRHL3 protein (p.Arg490Cys). This variant is present in population databases (rs375906769, gnomAD 0.01%). This variant has not been reported in the literature in individuals affected with GRHL3-related conditions. ClinVar contains an entry for this variant (Variation ID: 2455364). An algorithm developed to predict the effect of missense changes on protein structure and function (PolyPhen-2) suggests that this variant is likely to be disruptive. In summary, the available evidence is currently insufficient to determine the role of this variant in disease. Therefore, it has been classified as a Variant of Uncertain Significance.

Ambry Genetics
Classification: Uncertain significance for Inborn genetic diseases. Last evaluated: 2023-02-22. Review status: criteria provided, single submitter. Criteria: Ambry Variant Classification Scheme 2023. Collection method: clinical testing. Allele origin: germline.